The following is an entry in ClinVar:

ClinVar aggregate classification (germline): Conflicting classifications of pathogenicity. Review status: criteria provided, conflicting classifications (1 of 4 stars). 2 submissions from 2 submitters: Likely pathogenic (1); Uncertain significance (1). Last evaluated 2025-05-13.

Conditions:
Catecholaminergic polymorphic ventricular tachycardia 1. Also called: VENTRICULAR TACHYCARDIA, CATECHOLAMINERGIC POLYMORPHIC, 1, WITH OR WITHOUT ATRIAL DYSFUNCTION AND/OR DILATED CARDIOMYOPATHY; RYR2-Related Catecholaminergic Polymorphic Ventricular Tachycardia; VENTRICULAR TACHYCARDIA, STRESS-INDUCED POLYMORPHIC 1. Identifiers: Orphanet 3286, MedGen C1631597, MONDO:0011484, OMIM 604772.
Conduction disorder of the heart. Also called: Cardiac conduction defect. Identifiers: Orphanet 871, MedGen C0264886, MONDO:0100042, OMIM 115080.

Submissions (2):

Labcorp Genetics (formerly Invitae), Labcorp
Classification: Uncertain significance for Catecholaminergic polymorphic ventricular tachycardia 1. Last evaluated: 2025-05-13. Review status: criteria provided, single submitter. Criteria: Invitae Variant Classification Sherloc (09022015). Collection method: clinical testing. Allele origin: germline.
Comment: This sequence change replaces methionine, which is neutral and non-polar, with isoleucine, which is neutral and non-polar, at codon 81 of the RYR2 protein (p.Met81Ile). This variant is not present in population databases (gnomAD no frequency). This variant has not been reported in the literature in individuals affected with RYR2-related conditions. ClinVar contains an entry for this variant (Variation ID: 684806). Invitae Evidence Modeling of protein sequence and biophysical properties (such as structural, functional, and spatial information, amino acid conservation, physicochemical variation, residue mobility, and thermodynamic stability) has been performed for this missense variant. However, the output from this modeling did not meet the statistical confidence thresholds required to predict the impact of this variant on RYR2 protein function. In summary, the available evidence is currently insufficient to determine the role of this variant in disease. Therefore, it has been classified as a Variant of Uncertain Significance.

Molecular Diagnostic Laboratory for Inherited Cardiovascular Disease, Montreal Heart Institute
Classification: Likely pathogenic for Conduction disorder of the heart. Review status: criteria provided, single submitter. Criteria: ACMG Guidelines, 2015. Collection method: clinical testing. Allele origin: germline. Affected: yes.

NM_001035.3(RYR2):c.243G>A (p.Met81Ile)

Gene: RYR2 (ryanodine receptor 2; plus strand). Cytogenetic location: 1q43.
Variant type: single nucleotide variant.
Coding change: c.243G>A on transcript NM_001035.3 (MANE Select); coding-DNA position 243, G replaced by A.
Protein change: p.Met81Ile; replaces methionine 81 with isoleucine.
Molecular consequence: missense variant.
Genome position (GRCh38, 1-based): chr1:237,330,952, G>A. VCF-style: chr1-237330952-G-A. GRCh37 (hg19) VCF-style: chr1-237494252-G-A.
Other names: short protein forms M81I.
Identifiers: ClinVar variation 684806 (VCV000684806.3), dbSNP rs1572627115, ClinGen allele CA345654687.